The following is an entry in ClinVar:

NM_001378454.1(ALMS1):c.6566A>G (p.Tyr2189Cys)

Gene: ALMS1 (ALMS1 centrosome and basal body associated protein; plus strand). Cytogenetic location: 2p13.1.
Variant type: single nucleotide variant.
Coding change: c.6566A>G on transcript NM_001378454.1 (MANE Select); coding-DNA position 6566, A replaced by G.
Protein change: p.Tyr2189Cys; replaces tyrosine 2189 with cysteine.
Molecular consequence: missense variant.
Genome position (GRCh38, 1-based): chr2:73,453,093, A>G. VCF-style: chr2-73453093-A-G. GRCh37 (hg19) VCF-style: chr2-73680220-A-G.
Other names: c.6569A>G, p.Tyr2190Cys (NM_015120.4); short protein forms Y2190C, Y2189C.
Identifiers: ClinVar variation 2010385 (VCV002010385.4), dbSNP rs2466109532, ClinGen allele CA347288640.
Genomic context (GRCh38, chr2:73,453,093, plus strand): 5'-CAAGTGCTCTTGGGCAAGCTGATCAAATTACCGGATTACAAACAGTTCCCTCTGGTACTT[A>G]CTCACATGGTGAGAATCACAAGCTTGTTTCAGAACATGTCCAAAGGCTAATAGATAATTT-3'
Protein context (NP_001365383.1, residues 2179-2199): TGLQTVPSGT[Tyr2189Cys]SHGENHKLVS

ClinVar aggregate classification (germline): Uncertain significance (1 of 4 stars; one submission).

Conditions:
Alstrom syndrome (ALMS). Identifiers: Orphanet 64, MedGen C0268425, MONDO:0008763, OMIM 203800.

Submission:

Labcorp Genetics (formerly Invitae), Labcorp
Classification: Uncertain significance for Alstrom syndrome. Last evaluated: 2022-06-24. Review status: criteria provided, single submitter. Criteria: Invitae Variant Classification Sherloc (09022015). Collection method: clinical testing. Allele origin: germline.
Comment: In summary, the available evidence is currently insufficient to determine the role of this variant in disease. Therefore, it has been classified as a Variant of Uncertain Significance. Experimental studies and prediction algorithms are not available or were not evaluated, and the functional significance of this variant is currently unknown. This variant has not been reported in the literature in individuals affected with ALMS1-related conditions. This variant is not present in population databases (gnomAD no frequency). This sequence change replaces tyrosine, which is neutral and polar, with cysteine, which is neutral and slightly polar, at codon 2190 of the ALMS1 protein (p.Tyr2190Cys).